The following is an entry in ClinVar:

ClinVar aggregate classification (germline): Uncertain significance (1 of 4 stars; one submission).

Conditions:
Hereditary cancer-predisposing syndrome. Also called: Neoplastic Syndromes, Hereditary; Tumor predisposition; Hereditary neoplastic syndrome; Hereditary Cancer Syndrome. Identifiers: Orphanet 140162, MedGen C0027672, MeSH D009386, MONDO:0015356.

Submission:

Ambry Genetics
Classification: Uncertain significance for Hereditary cancer-predisposing syndrome. Last evaluated: 2026-07-27. Review status: criteria provided, single submitter. Criteria: Ambry Variant Classification Scheme 2023. Collection method: clinical testing. Allele origin: germline.
Comment: The p.R18S variant (also known as c.52C>A), located in coding exon 1 of the AXIN2 gene, results from a C to A substitution at nucleotide position 52. The arginine at codon 18 is replaced by serine, an amino acid with dissimilar properties. This amino acid position is conserved. In addition, this alteration is predicted to be tolerated by in silico analysis. Based on the available evidence, the clinical significance of this variant remains unclear.

NM_004655.4(AXIN2):c.52C>A (p.Arg18Ser)

Gene: AXIN2 (axin 2; minus strand). Cytogenetic location: 17q24.1.
Variant type: single nucleotide variant.
Coding change: c.52C>A on transcript NM_004655.4 (MANE Select); coding-DNA position 52, C replaced by A.
Protein change: p.Arg18Ser; replaces arginine 18 with serine.
Molecular consequence: missense variant.
Genome position (GRCh38, 1-based): chr17:65,558,569, G>T on the plus strand (C>A on the coding strand, the complement: AXIN2 is on the minus strand). VCF-style: chr17-65558569-G-T. GRCh37 (hg19) VCF-style: chr17-63554687-G-T.
Other names: c.52C>A, p.Arg18Ser (NM_001363813.1); short protein forms R18S.
Identifiers: ClinVar variation 5032667 (VCV005032667.1).